The following is an entry in ClinVar:

NM_002103.5(GYS1):c.1412A>G (p.Asp471Gly)

Gene: GYS1 (glycogen synthase 1; minus strand). Cytogenetic location: 19q13.33.
Variant type: single nucleotide variant.
Coding change: c.1412A>G on transcript NM_002103.5 (MANE Select); coding-DNA position 1412, A replaced by G.
Protein change: p.Asp471Gly; replaces aspartic acid 471 with glycine.
Molecular consequence: missense variant. On other transcripts: non-coding transcript variant (1).
Genome position (GRCh38, 1-based): chr19:48,974,630, T>C on the plus strand (A>G on the coding strand, the complement: GYS1 is on the minus strand). VCF-style: chr19-48974630-T-C. GRCh37 (hg19) VCF-style: chr19-49477887-T-C.
Other names: c.1220A>G, p.Asp407Gly (NM_001161587.2); short protein forms D407G, D471G.
Identifiers: ClinVar variation 947297 (VCV000947297.9), dbSNP rs1306162963, ClinGen allele CA406761570.

ClinVar aggregate classification (germline): Uncertain significance (1 of 4 stars; one submission).

Conditions:
Glycogen storage disease due to muscle and heart glycogen synthase deficiency. Also called: MUSCLE GLYCOGEN SYNTHASE DEFICIENCY; GSD 0b. Identifiers: Orphanet 137625, MedGen C1969054, MONDO:0012693, OMIM 611556.

Allele frequency attached by ClinVar (database versions not stated): gnomAD exomes below 0.00001.
gnomAD v4.1: 3 of 1,612,316 alleles (0.00019%); highest among the groups gnomAD compares: Non-Finnish European, 0.00025%; no homozygotes.

Submission:

Labcorp Genetics (formerly Invitae), Labcorp
Classification: Uncertain significance for Glycogen storage disease due to muscle and heart glycogen synthase deficiency. Last evaluated: 2020-11-27. Review status: criteria provided, single submitter. Criteria: Invitae Variant Classification Sherloc (09022015). Collection method: clinical testing. Allele origin: germline.
Comment: In summary, the available evidence is currently insufficient to determine the role of this variant in disease. Therefore, it has been classified as a Variant of Uncertain Significance. Algorithms developed to predict the effect of missense changes on protein structure and function (SIFT, PolyPhen-2, Align-GVGD) all suggest that this variant is likely to be disruptive, but these predictions have not been confirmed by published functional studies and their clinical significance is uncertain. This variant has not been reported in the literature in individuals with GYS1-related conditions. This variant is not present in population databases (ExAC no frequency). This sequence change replaces aspartic acid with glycine at codon 471 of the GYS1 protein (p.Asp471Gly). The aspartic acid residue is highly conserved and there is a moderate physicochemical difference between aspartic acid and glycine.